The following is an entry in ClinVar:

ClinVar aggregate classification (germline): Uncertain significance (1 of 4 stars; one submission).

Conditions:
Familial thoracic aortic aneurysm and aortic dissection (TAAD). Also called: Thoracic aortic aneurysms and dissections. Identifiers: Orphanet 91387, MedGen C4707243, MONDO:0019625.

Submission:

Ambry Genetics
Classification: Uncertain significance for Familial thoracic aortic aneurysm and aortic dissection. Last evaluated: 2025-11-15. Review status: criteria provided, single submitter. Criteria: Ambry Variant Classification Scheme 2023. Collection method: clinical testing. Allele origin: germline.
Comment: The p.C226Y variant (also known as c.677G>A), located in coding exon 4 of the TGFB2 gene, results from a G to A substitution at nucleotide position 677. The cysteine at codon 226 is replaced by tyrosine, an amino acid with highly dissimilar properties. This amino acid position is conserved. In addition, this alteration is predicted to be deleterious by in silico analysis. Based on the available evidence, the clinical significance of this variant remains unclear.

NM_003238.6(TGFB2):c.677G>A (p.Cys226Tyr)

Gene: TGFB2 (transforming growth factor beta 2; plus strand). Cytogenetic location: 1q41.
Variant type: single nucleotide variant.
Coding change: c.677G>A on transcript NM_003238.6 (MANE Select); coding-DNA position 677, G replaced by A.
Protein change: p.Cys226Tyr; replaces cysteine 226 with tyrosine.
Molecular consequence: missense variant. On other transcripts: non-coding transcript variant (2).
Genome position (GRCh38, 1-based): chr1:218,434,371, G>A. VCF-style: chr1-218434371-G-A. GRCh37 (hg19) VCF-style: chr1-218607713-G-A.
Other names: c.761G>A, p.Cys254Tyr (NM_001135599.4); short protein forms C226Y, C254Y.
Identifiers: ClinVar variation 4635573 (VCV004635573.1).
Genomic context (GRCh38, chr1:218,434,371, plus strand): 5'-TGACCTCCTTGACTTAATGTTTTCCAGACAGGAACCTGGGATTTAAAATAAGCTTACACT[G>A]TCCCTGCTGCACTTTTGTACCATCTAATAATTACATCATCCCAAATAAAAGTGAAGAACT-3'
Protein context (NP_003229.1, residues 216-236): RNLGFKISLH[Cys226Tyr]PCCTFVPSNN